The following is an entry in ClinVar:

ClinVar aggregate classification (germline): Uncertain significance (1 of 4 stars; one submission).

Conditions:
TP63-Related Spectrum Disorders.

Submission:

Labcorp Genetics (formerly Invitae), Labcorp
Classification: Uncertain significance. Last evaluated: 2024-11-03. Review status: criteria provided, single submitter. Criteria: Invitae Variant Classification Sherloc (09022015). Collection method: clinical testing. Allele origin: germline.
Comment: This sequence change replaces threonine, which is neutral and polar, with lysine, which is basic and polar, at codon 193 of the TP63 protein (p.Thr193Lys). This variant is not present in population databases (gnomAD no frequency). This variant has not been reported in the literature in individuals affected with TP63-related conditions. Invitae Evidence Modeling of protein sequence and biophysical properties (such as structural, functional, and spatial information, amino acid conservation, physicochemical variation, residue mobility, and thermodynamic stability) indicates that this missense variant is expected to disrupt TP63 protein function with a positive predictive value of 95%. In summary, the available evidence is currently insufficient to determine the role of this variant in disease. Therefore, it has been classified as a Variant of Uncertain Significance.

NM_003722.5(TP63):c.578C>A (p.Thr193Lys)

Gene: TP63 (tumor protein p63; plus strand). Cytogenetic location: 3q28.
Variant type: single nucleotide variant.
Coding change: c.578C>A on transcript NM_003722.5 (MANE Select); coding-DNA position 578, C replaced by A.
Protein change: p.Thr193Lys; replaces threonine 193 with lysine.
Molecular consequence: missense variant. On other transcripts: intron variant (2).
Genome position (GRCh38, 1-based): chr3:189,808,525, C>A. VCF-style: chr3-189808525-C-A. GRCh37 (hg19) VCF-style: chr3-189526314-C-A.
Other names: c.578C>A, p.Thr193Lys (NM_001114978.2, NM_001114979.2, NM_001329144.2 and 1 more transcripts); c.296C>A, p.Thr99Lys (NM_001114980.2, NM_001114981.2, NM_001114982.2 and 2 more transcripts); c.572C>A, p.Thr191Lys (NM_001329964.2); c.42+18683C>A (NM_001329146.2, NM_001329150.2); short protein forms T193K, T191K, T99K.
Identifiers: ClinVar variation 3721051 (VCV003721051.1).